The following is an entry in ClinVar:

ClinVar aggregate classification (germline): Likely pathogenic (1 of 4 stars; one submission).

Conditions:
Catecholaminergic polymorphic ventricular tachycardia 2. Also called: CASQ2-Related Catecholaminergic Polymorphic Ventricular Tachycardia; VENTRICULAR TACHYCARDIA, STRESS-INDUCED POLYMORPHIC 2. Identifiers: Orphanet 3286, MedGen C2677794, MONDO:0012762, OMIM 611938.

Submission:

Center for Human Genetics, University of Leuven
Classification: Likely pathogenic for Catecholaminergic polymorphic ventricular tachycardia 2. Last evaluated: 2017-02-09. Review status: criteria provided, single submitter. Criteria: ACMG Guidelines, 2015. Collection method: clinical testing. Allele origin: germline. Inheritance: Autosomal dominant inheritance. Affected: yes. Observed: 1 variant allele.
Comment: ACMG score likely pathogenic

NM_001035.3(RYR2):c.11996T>C (p.Met3999Thr)

Gene: RYR2 (ryanodine receptor 2; plus strand). Cytogenetic location: 1q43.
Variant type: single nucleotide variant.
Coding change: c.11996T>C on transcript NM_001035.3 (MANE Select); coding-DNA position 11996, T replaced by C.
Protein change: p.Met3999Thr; replaces methionine 3999 with threonine.
Molecular consequence: missense variant.
Genome position (GRCh38, 1-based): chr1:237,783,708, T>C. VCF-style: chr1-237783708-T-C. GRCh37 (hg19) VCF-style: chr1-237947008-T-C.
Other names: c.11996T>C, p.Met3999Thr (LRG_402t1); short protein forms M3999T.
Identifiers: ClinVar variation 427948 (VCV000427948.2), dbSNP rs1553322494, ClinGen allele CA345411850.